The following is an entry in ClinVar:

NM_014336.5(AIPL1):c.59del (p.Gly20fs)

Gene: AIPL1 (AIP like 1 HSP90 co-chaperone; minus strand). Cytogenetic location: 17p13.2.
Variant type: Deletion.
Coding change: c.59del on transcript NM_014336.5 (MANE Select); coding-DNA position 59, one base deleted (G; older notation c.59delG).
Protein change: p.Gly20fs; shifts the reading frame from glycine 20.
Molecular consequence: frameshift variant. On other transcripts: 5 prime UTR variant (1).
Genome position (GRCh38, 1-based): chr17:6,435,046, C deleted on the plus strand (G on the coding strand, the reverse complement: AIPL1 is on the minus strand); the first of 5 consecutive C bases (chr17:6,435,046-6,435,050); deleting any one gives the same sequence. VCF-style (leftmost placement, unchanged base first): chr17-6435045-GC-G. GRCh37 (hg19) VCF-style: chr17-6338365-GC-G.
Other names: c.59del, p.Gly20fs (NM_001033054.3, NM_001033055.3, NM_001285399.3 and 3 more transcripts); c.-117del (NM_001285402.2); short protein forms G20fs.
Identifiers: ClinVar variation 2875208 (VCV002875208.4), dbSNP rs1281214893, ClinGen allele CA624663896.
Genomic context (GRCh38, chr17:6,435,045, plus strand): 5'-CTGCTCCGGAGGGGCCCCACTCACTCGGGATCCGGTGATGAAGTTTGGGAGCTCGCCCGT[GC>G]CCCCGTGCAGAATGGTTTTCTTGACCCCTTCCACGTTCAGGAGCAGAGCGGCATCCATGG-3'

ClinVar aggregate classification (germline): Pathogenic/Likely pathogenic. Review status: criteria provided, multiple submitters, no conflicts (2 of 4 stars). 2 submissions from 2 submitters: Pathogenic (1); Likely pathogenic (1). Last evaluated 2023-08-11.

Conditions:
Leber congenital amaurosis 4 (LCA4). Identifiers: MedGen C1858386, MONDO:0011458, OMIM 604393.
AIPL1-related disorder. Also called: AIPL1-related condition; AIPL1-related disorders. Identifiers: MedGen CN239169.

Submissions (2):

Labcorp Genetics (formerly Invitae), Labcorp
Classification: Pathogenic for Leber congenital amaurosis 4. Last evaluated: 2023-08-11. Review status: criteria provided, single submitter. Criteria: Invitae Variant Classification Sherloc (09022015). Collection method: clinical testing. Allele origin: germline.
Comment: For these reasons, this variant has been classified as Pathogenic. This variant has not been reported in the literature in individuals affected with AIPL1-related conditions. This variant is not present in population databases (gnomAD no frequency). This sequence change creates a premature translational stop signal (p.Gly20Alafs*14) in the AIPL1 gene. It is expected to result in an absent or disrupted protein product. Loss-of-function variants in AIPL1 are known to be pathogenic (PMID: 10615133, 15249368, 15347646).

Blueprint Genetics
Classification: Likely pathogenic for AIPL1-related disorders. Last evaluated: 2020-03-24. Review status: criteria provided, single submitter. Criteria: ACMG Guidelines, 2015. Collection method: clinical testing. Allele origin: germline. Affected: yes. Observed: 1 variant allele.

Literature cited by the submitters: PubMed 10615133 (cited by Labcorp Genetics (formerly Invitae), Labcorp); PubMed 15249368 (cited by Labcorp Genetics (formerly Invitae), Labcorp); PubMed 15347646 (cited by Labcorp Genetics (formerly Invitae), Labcorp).